The following is an entry in ClinVar:

ClinVar aggregate classification (germline): Uncertain significance (1 of 4 stars; one submission).

Submission:

GeneDx
Classification: Uncertain significance. Last evaluated: 2019-07-09. Review status: criteria provided, single submitter. Criteria: GeneDx Variant Classification Process June 2021. Collection method: clinical testing. Allele origin: germline. Affected: yes.
Comment: Not observed in large population cohorts (Lek et al., 2016); In-silico analysis, which includes splice predictors and evolutionary conservation, is inconclusive as to whether the variant alters gene splicing. In the absence of RNA/functional studies, the actual effect of this sequence change is unknown.; Has not been previously published as pathogenic or benign to our knowledge

NM_000548.5(TSC2):c.1600-11T>G

Gene: TSC2 (TSC complex subunit 2; plus strand). Cytogenetic location: 16p13.3.
Variant type: single nucleotide variant.
Coding change: c.1600-11T>G on transcript NM_000548.5 (MANE Select); 11 bases into the intron before coding-DNA position 1600, T replaced by G.
Molecular consequence: intron variant.
Genome position (GRCh38, 1-based): chr16:2,065,508, T>G. VCF-style: chr16-2065508-T-G. GRCh37 (hg19) VCF-style: chr16-2115509-T-G.
Other names: c.1600-11T>G (NM_001114382.3, NM_021055.3, NM_001370405.1 and 3 more transcripts); c.1489-11T>G (NM_001318827.2); c.1000-11T>G (NM_001318831.2); c.1453-11T>G (NM_001318829.2); c.1633-11T>G (NM_001318832.2).
Identifiers: ClinVar variation 1306943 (VCV001306943.2), dbSNP rs2151205759, ClinGen allele CA2573054158.
Genomic context (GRCh38, chr16:2,065,508, plus strand): 5'-TAGAAAGTGTTCTCACGGCTGCTGACTCAGAACCATGAGCCTGTGTGTAAGTCCTGGCCT[T>G]CTCTTCAAAGGTGATGGCCCGCTCCCTCTCCCCACCCCCGGAGCTGGAAGAAAGGGATGT-3'